The following is an entry in ClinVar:

NC_000009.12:g.35657872C>T

Gene: RMRP (RNA component of mitochondrial RNA processing endoribonuclease; minus strand). Cytogenetic location: 9p13.3.
Variant type: single nucleotide variant.
Genome position: GRCh38 VCF-style: chr9-35657872-C-T. GRCh37 (hg19) VCF-style: chr9-35657869-C-T.
Other names: NR_003051.3(RMRP):n.147G>A.
Identifiers: ClinVar variation 379208 (VCV000379208.22), dbSNP rs753874439, ClinGen allele CA5045835.

ClinVar aggregate classification (germline): Likely pathogenic. Review status: reviewed by expert panel (3 of 4 stars). 10 submissions from 10 submitters: Likely pathogenic (1). 9 of the submissions do not count toward it. Last evaluated 2025-10-06.

Conditions:
Anauxetic dysplasia. Identifiers: Orphanet 93347, MedGen C1846796, MONDO:0011773.
RMRP-related disorder. Also called: RMRP-related condition.
Metaphyseal chondrodysplasia, McKusick type (CHH). Also called: Cartilage-Hair Hypoplasia (CHH); Cartilage-hair hypoplasia. Identifiers: Orphanet 175, MedGen C0220748, MONDO:0009595, OMIM 250250.
Anauxetic dysplasia 1 (ANXD1). Also called: Anauxetic Dysplasia (AD). Identifiers: Orphanet 93347, MedGen C4551965, MONDO:0054560, OMIM 607095.
Metaphyseal dysplasia without hypotrichosis. Also called: CARTILAGE-HAIR HYPOPLASIA VARIANT, SKELETAL MANIFESTATIONS ONLY; CARTILAGE-HAIR HYPOPLASIA-LIKE SKELETAL DYSPLASIA WITHOUT HYPOTRICHOSIS OR IMMUNODEFICIENCY; Metaphyseal Dysplasia without Hypotrichosis (MDWH). Identifiers: MedGen C1834821, MONDO:0009601, OMIM 250460.
Cartilage-hair hypoplasia-anauxetic dysplasia spectrum disorders. Identifiers: MedGen CN118832.

Allele frequency attached by ClinVar (database versions not stated): TOPMed 0.00002.
gnomAD v4.1: 26 of 700,354 alleles (0.0037%); highest among the groups gnomAD compares: Middle Eastern, 0.036%; no homozygotes.

Submissions (10):

ClinGen Severe Combined Immunodeficiency Variant Curation Expert Panel, ClinGen
Classification: Likely pathogenic for Metaphyseal chondrodysplasia, McKusick type. Last evaluated: 2025-10-06. Review status: reviewed by expert panel. Criteria: ClinGen SCID ACMG Specifications RMRP V1.2.0. Collection method: curation. Allele origin: germline. Inheritance: Autosomal recessive inheritance.
Comment: The variant NC_000009.12:g.35657872C>T, also known as n.147G>A, is present in gnomAD v.4.1.0 at a GrpMax filtering allele frequency of 0.00002109, which is lower than the ClinGen SCID VCEP specified PM2_Supporting threshold of <0.0000447. Therefore, PM2_supporting is met. At least one patient with this variant presents Metaphyseal dysplasia (+1.0 points), Hypotrichosis (+0.5 points), and anemia (+ 0.25 points), reaching a total of 1.75 points. Therefore, this criterion is met a default strength (PMID: 16244706). Therefore, PM3 is met. This variant was found in trans with another RMRP variant -25_-5dup within three sibling from one family. They had various phenotypes of SCID, CHH and CID+CD8 lymphophenia, respectively. Therefore, there were two siblings as 2 affected segregations (PMID: 18804272). PP1_moderate is met. In summary, this variant is classified as Likely Pathogenic for Autosomal recessive Cartilage Hair Hypoplasia based on the ACMG/AMP criteria applied, as specified by the ClinGen SCID VCEP: PM2_Supporting, PP4, PM3 and PP1_Moderate (VCEP specifications version 1). NR_003051.3 is the historic transcript with the first nucleotide of the transcribed non-coding RNA that differs from the current MANE transcript, namely NR_003051.4. In this curation, NR_003051.3 was used in the following PMID(s): 16244706, 12107819,18804272.

Labcorp Genetics (formerly Invitae), Labcorp
Classification: Pathogenic for Anauxetic dysplasia. Last evaluated: 2026-01-20. Review status: criteria provided, single submitter. Criteria: Invitae Variant Classification Sherloc (09022015). Collection method: clinical testing. Allele origin: germline. Not counted in ClinVar's aggregate classification.
Comment: This variant occurs in the RMRP gene, which encodes an RNA molecule that does not result in a protein product. This variant is present in population databases (rs753874439, gnomAD 0.01%). This variant has been observed in individual(s) with RMRP-related conditions (PMID: 12107819, 16244706, 18804272; internal data). This variant is also known as 146G>A. ClinVar contains an entry for this variant (Variation ID: 379208). Studies have shown that this variant alters RMRP gene expression (PMID: 17701897). For these reasons, this variant has been classified as Pathogenic.

PreventionGenetics, part of Exact Sciences
Classification: Pathogenic for RMRP-related condition. Last evaluated: 2025-01-15. Review status: criteria provided, single submitter. Criteria: ACMG Guidelines, 2015. Collection method: clinical testing. Allele origin: germline. Not counted in ClinVar's aggregate classification.
Comment: The RMRP n.147G>A is a noncoding alteration. This variant, also known as n.146G>A, has been reported in the homozygous and compound heterozygous states state in individuals with cartilage-hair hypoplasia (CHH) with or without combined immune deficiency (CID) and CD8 lymphopenia (Ridanpää et al. 2002. PubMed ID: 12107819; Kavadas et al. 2008. PubMed ID: 18804272). Functional studies show that this variant has a mild impact on protein activity (Thiel et al. 2007. PubMed ID: 17701897). This variant is reported in 0.012% of alleles in individuals of Ashkenazi Jewish descent in gnomAD. This variant is interpreted as pathogenic.

Natera, Inc.
Classification: Pathogenic for Cartilage-hair hypoplasia. Last evaluated: 2024-12-30. Review status: criteria provided, single submitter. Criteria: Natera Variant Classification Schema (03/2026). Collection method: clinical testing. Allele origin: germline. Not counted in ClinVar's aggregate classification.
Comment: The n.147G>A variant in RMRP is characterized as a single nucleotide variant (SNV). This variant is rare in the general population with a frequency below the threshold expected for the associated phenotype(s). This variant has been observed in one or more individuals affected with the associated recessive disease, as either homozygous or compound heterozygous with a second variant (PMID: 12107819, 25663137, 20112607). Given the available evidence, this variant is classified as Pathogenic.

Blueprint Genetics
Classification: Pathogenic for RMRP-related disorders. Last evaluated: 2024-01-03. Review status: criteria provided, single submitter. Criteria: ACMG Guidelines, 2015. Collection method: clinical testing. Allele origin: germline. Affected: yes. Observed: 5 variant alleles. Not counted in ClinVar's aggregate classification.

Fulgent Genetics
Classification: Pathogenic for Metaphyseal chondrodysplasia, McKusick type; Metaphyseal dysplasia without hypotrichosis; Anauxetic dysplasia 1. Last evaluated: 2022-03-16. Review status: criteria provided, single submitter. Criteria: ACMG Guidelines, 2015. Collection method: clinical testing. Allele origin: unknown. Not counted in ClinVar's aggregate classification.

Women's Health and Genetics/Laboratory Corporation of America, LabCorp
Classification: Pathogenic for Metaphyseal chondrodysplasia, McKusick type. Last evaluated: 2022-01-20. Review status: criteria provided, single submitter. Criteria: LabCorp Variant Classification Summary - May 2015. Collection method: clinical testing. Allele origin: germline. Not counted in ClinVar's aggregate classification.
Comment: Variant summary: RMRP n.147G>A involves the alteration of a conserved nucleotide. The variant allele was found at a frequency of 4.6e-05 in 130490 control chromosomes (gnomAD). This variant is also known as 146G>A. n.147G>A has been reported in the literature in multiple affected individuals (e.g. Ridanpaa_2002, Kavadas_2008, Bordon_2010, Ip_2015). These data indicate that the variant is very likely to be associated with disease. Experimental evidence demonstrated the variant to have a mild effect on rRNA and mRNA cleavage activity and to be associated with a mild phenotype (Thiel_2007). Four clinical diagnostic laboratories have submitted clinical-significance assessments for this variant to ClinVar after 2014 and classified the variant as pathogenic (n=3), and likely pathogenic (n=1). Based on the evidence outlined above, the variant was classified as pathogenic.

Illumina Laboratory Services, Illumina
Classification: Pathogenic for cartilage-hair hypoplasia-anauxetic dysplasia spectrum disorders. Last evaluated: 2021-01-29. Review status: criteria provided, single submitter. Criteria: ICSLVariantClassificationCriteria RUGD 01 April 2020. Collection method: clinical testing. Allele origin: unknown. Not counted in ClinVar's aggregate classification.
Comment: The RMRP n.147G>A variant, which is also referred to as n.146G>A, is a single nucleotide substitution within the transcribed region that has been reported in a homozygous state in one individual with cartilage-hair hypoplasia (CHH) and in a compound heterozygous state in five unrelated individuals with a diagnosis of or features consistent with CHH (RidanpÃ¤Ã¤ et al. 2002; BonafÃ© et al. 2005; Kavadas et al. 2008; TÃ¼rkkani-Asal et al. 2009). The n.147G>A variant is reported at a frequency of 0.000046 in the European (non-Finnish) population of the Genome Aggregation Database. It affects a highly conserved nucleotide and is expected to disrupt the hairpin structure topology. In vitro assays in human fibroblasts have shown that n.147G>A results in a mild reduction of mRNA cleavage activity (~5% less than wildtype) and a slightly larger reduction in rRNA cleavage activity (~20-25% less than wildtype) (Thiel et al. 2007). Based on the collective evidence, the n.147G>A variant is classified as pathogenic for cartilage-hair hypoplasia-anauxetic dysplasia spectrum disorders.

GeneDx
Classification: Pathogenic. Last evaluated: 2015-03-26. Review status: criteria provided, single submitter. Criteria: GeneDx Variant Classification (06012015). Collection method: clinical testing. Allele origin: germline. Affected: yes. Not counted in ClinVar's aggregate classification.
Comment: The r.147 G>A variant has been reported previously as r.146 G>A in association with cartilage-hair hypoplasia (CHH), a disease with variable expressivity, which can present with defective cellular immunity presenting as a SCID phenotype (Thiel et al., 2007; RidanpÃ¤Ã¤ et al., 2002). In vitro functional studiesdemonstrated that the c.147 G>A variant had the least effect on rRNA cleavage activity, which may explain why it is associated with a milder phenotype (Thiel et al., 2007). We interpret this variant as pathogenic.

Counsyl
Classification: Likely pathogenic for Metaphyseal chondrodysplasia, McKusick type. Last evaluated: 2017-03-31. Review status: no assertion criteria provided. Collection method: clinical testing. Allele origin: unknown. Not counted in ClinVar's aggregate classification.

Literature cited by the submitters: PubMed 12107819 (cited by 5 submitters); PubMed 16244706 (cited by 3 submitters); PubMed 18804272 (cited by 4 submitters); PubMed 17701897 (cited by 4 submitters); PubMed 25663137 (cited by Natera, Inc. and Women's Health and Genetics/Laboratory Corporation of America, LabCorp); PubMed 20112607 (cited by 3 submitters); PubMed 20375313 (cited by Women's Health and Genetics/Laboratory Corporation of America, LabCorp); PubMed 24009312 (cited by Women's Health and Genetics/Laboratory Corporation of America, LabCorp).